The following is an entry in ClinVar:

NM_001130009.3(GEN1):c.1001A>G (p.Glu334Gly)

Gene: GEN1 (GEN1 Holliday junction 5' flap endonuclease; plus strand). Cytogenetic location: 2p24.2.
Variant type: single nucleotide variant.
Coding change: c.1001A>G on transcript NM_001130009.3 (MANE Select); coding-DNA position 1001, A replaced by G.
Protein change: p.Glu334Gly; replaces glutamic acid 334 with glycine.
Molecular consequence: missense variant.
Genome position (GRCh38, 1-based): chr2:17,773,229, A>G. VCF-style: chr2-17773229-A-G. GRCh37 (hg19) VCF-style: chr2-17954496-A-G.
Other names: c.1001A>G, p.Glu334Gly (NM_182625.5); short protein forms E334G.
Identifiers: ClinVar variation 3853597 (VCV003853597.1).

ClinVar aggregate classification (germline): Uncertain significance (1 of 4 stars; one submission).

gnomAD v4.1: 2 of 1,598,708 alleles (0.00013%); highest among the groups gnomAD compares: Admixed American, 0.0034%; no homozygotes.

Submission:

Ambry Genetics
Classification: Uncertain significance. Last evaluated: 2025-02-26. Review status: criteria provided, single submitter. Criteria: Ambry Variant Classification Scheme 2023. Collection method: clinical testing. Allele origin: germline.
Comment: The p.E334G variant (also known as c.1001A>G), located in coding exon 9 of the GEN1 gene, results from an A to G substitution at nucleotide position 1001. The glutamic acid at codon 334 is replaced by glycine, an amino acid with similar properties. This amino acid position is conserved. In addition, the in silico prediction for this alteration is inconclusive. Based on the available evidence, the clinical significance of this variant remains unclear.